The following is an entry in ClinVar:

ClinVar aggregate classification (germline): Pathogenic/Likely pathogenic. Review status: criteria provided, multiple submitters, no conflicts (2 of 4 stars). 9 submissions from 8 submitters: Pathogenic (1); Likely pathogenic (5). 3 of the submissions do not count toward it. Last evaluated 2026-09-24.

Conditions:
Cardiovascular phenotype. Identifiers: MedGen CN230736.
Fabry disease. Also called: ALPHA-GALACTOSIDASE A DEFICIENCY; ANDERSON-FABRY DISEASE; CERAMIDE TRIHEXOSIDASE DEFICIENCY; Fabry's disease; Angiokeratoma corporis diffusum; GLA DEFICIENCY. Identifiers: Orphanet 324, MedGen C0002986, MONDO:0010526, OMIM 301500, HP:0001071. Disease mechanism: Fabry disease is due to inactivating mutations in the X-linked GLA gene resulting in deficiency of the enzyme Alpha Galactosidase-A., loss of function.
Migalastat response. Also called: Galafold response; 1-Deoxygalactonojirimycin response. Identifiers: MedGen CN233149.

Submissions (9):

GeneDx
Classification: Likely pathogenic. Last evaluated: 2026-09-24. Review status: criteria provided, single submitter. Criteria: GeneDx Variant Classification Process June 2021. Collection method: clinical testing. Allele origin: germline.
Comment: Not observed at significant frequency in large population cohorts (gnomAD); In silico analysis supports that this missense variant has a deleterious effect on protein structure/function; This variant is associated with the following publications: (PMID: 30477121, 32150461, 26712400, 26415523, 34266644, 27896103, 23465405, 27657681, 40120803, 38395389, 39362930)

Genomenon, Inc
Classification: Likely pathogenic for Fabry disease. Last evaluated: 2026-09-08. Review status: criteria provided, single submitter. Criteria: Genomenon Sequence Variant Interpretation Standards - Updated. Collection method: curation. Allele origin: germline. Affected: yes.
Comment: GLA p.Ile253Thr (c.758T>C) is a missense variant that changes the amino acid at codon 253 from Isoleucine to Threonine. This variant has been observed in at least one proband with clinical features consistent with Fabry disease (PMID:26415523;30723321;31242288;32915382;27657681;20071180;30996283;27896103;32150461;30477121;32442237;35743707;36140787;39362930;38395389;28069318;29755794). The variant was found to segregate with disease in at least one affected family (PMID:35743707;36140787;28069318). Functional or patient cell studies have been reported (PMID:32023956;30723321;36140787;29755794;23465405;27896103;26415523;32432376;27657681;28069318). It is absent or not present at a significant frequency in gnomAD. In silico models predict that this variant is possibly or probably damaging. In conclusion, we classify GLA p.Ile253Thr (c.758T>C) as a likely pathogenic variant.

Ambry Genetics
Classification: Likely pathogenic for Cardiovascular phenotype. Last evaluated: 2026-08-11. Review status: criteria provided, single submitter. Criteria: Ambry Variant Classification Scheme 2023. Collection method: clinical testing. Allele origin: germline.
Comment: The p.I253T variant (also known as c.758T>C), located in coding exon 5 of the GLA gene, results from a T to C substitution at nucleotide position 758. The isoleucine at codon 253 is replaced by threonine, an amino acid with similar properties. This variant was reported in individual(s) with features consistent with Fabry disease (Scott CR et al. J Pediatr, 2013 Aug;163:498-503; Zampetti A et al. Cytokine, 2013 Mar;61:933-9; Tsukimura T et al. Mol Genet Metab Rep, 2014 Aug;1:288-298; Sakuraba H et al. Mol Genet Metab Rep, 2018 Dec;17:73-79; Germain DP et al. Genet Med, 2019 Sep;21:1987-1997; Hoss S et al. Circ Genom Precis Med, 2020 Apr;13:e002748; Mauhin W et al. PLoS One, 2020 May;15:e0233460; Xiao Y et al. Am J Med Sci, 2021 Sep;362:260-267; Jurickova K et al. J Pers Med, 2022 Jun;12:[ePub ahead of print]; Savostyanov K et al. Genes (Basel), 2023 Oct;14:[ePub ahead of print]). In multiple assays testing GLA function, this variant showed functionally abnormal results (Lukas J et al. Hum Mutat, 2016 Jan;37:43-51; Benjamin ER et al. Genet Med, 2017 Apr;19:430-438). This amino acid position is not well conserved in available vertebrate species. In addition, this alteration is predicted to be deleterious by in silico analysis. This variant is considered to be rare based on population cohorts in the Genome Aggregation Database (gnomAD). Based on the majority of available evidence to date, this variant is likely to be pathogenic.

Labcorp Genetics (formerly Invitae), Labcorp
Classification: Pathogenic for Fabry disease. Last evaluated: 2024-02-08. Review status: criteria provided, single submitter. Criteria: Invitae Variant Classification Sherloc (09022015). Collection method: clinical testing. Allele origin: germline.
Comment: This sequence change replaces isoleucine, which is neutral and non-polar, with threonine, which is neutral and polar, at codon 253 of the GLA protein (p.Ile253Thr). This variant is not present in population databases (gnomAD no frequency). This missense change has been observed in individual(s) with clinical features of Fabry disease (PMID: 23465405, 27896103, 34266644; Invitae). ClinVar contains an entry for this variant (Variation ID: 180021). Advanced modeling of protein sequence and biophysical properties (such as structural, functional, and spatial information, amino acid conservation, physicochemical variation, residue mobility, and thermodynamic stability) performed at Invitae indicates that this missense variant is not expected to disrupt GLA protein function with a negative predictive value of 80%. Experimental studies have shown that this missense change affects GLA function (PMID: 27657681). This variant disrupts the p.Ile253 amino acid residue in GLA. Other variant(s) that disrupt this residue have been observed in individuals with GLA-related conditions (PMID: 23935525, 27657681), which suggests that this may be a clinically significant amino acid residue. For these reasons, this variant has been classified as Pathogenic.

Genome-Nilou Lab
Classification: Likely pathogenic for Fabry disease. Last evaluated: 2021-07-15. Review status: criteria provided, single submitter. Criteria: ACMG Guidelines, 2015. Collection method: clinical testing. Allele origin: germline. Affected: no.

Revvity Omics, Revvity
Classification: Likely pathogenic. Last evaluated: 2021-04-12. Review status: criteria provided, single submitter. Criteria: ACMG Guidelines, 2015. Collection method: clinical testing. Allele origin: germline.

Albrecht-Kossel-Institute, Medical University Rostock
Classification: Pathogenic for Fabry's disease. Last evaluated: 2014-01-01. Review status: no assertion criteria provided. Collection method: research. Allele origin: inherited. Not counted in ClinVar's aggregate classification.

Albrecht-Kossel-Institute, Medical University Rostock
Classification: drug response for deoxygalactonojirimycin response. Last evaluated: 2014-01-01. Review status: no assertion criteria provided. Collection method: research. Allele origin: inherited. Not counted in ClinVar's aggregate classification.

Laboratory for Molecular Medicine, Mass General Brigham Personalized Medicine
Classification: Uncertain significance. Last evaluated: 2014-09-25. Review status: flagged submission. Criteria: LMM Criteria. Collection method: clinical testing. Allele origin: germline. Observed: 1 variant allele. Not counted in ClinVar's aggregate classification.
Comment: It was absent from large population studies. Computational prediction tools and conservation analysis do not provide strong support for or against an impact to the protein. In summary, the clinical significance of the Ile253Thr va riant is uncertain.
ClinVar note: Reason: Older and outlier claim with insufficient supporting evidence

Literature cited by the submitters: PubMed 26415523 (cited by 3 submitters); PubMed 30723321 (cited by Genomenon, Inc and Ambry Genetics); PubMed 31242288 (cited by Genomenon, Inc); PubMed 32915382 (cited by Genomenon, Inc); PubMed 27657681 (cited by 3 submitters); PubMed 20071180 (cited by Genomenon, Inc); PubMed 30996283 (cited by Genomenon, Inc); PubMed 27896103 (cited by 3 submitters); PubMed 32150461 (cited by Genomenon, Inc and Ambry Genetics); PubMed 30477121 (cited by Genomenon, Inc); PubMed 32442237 (cited by Genomenon, Inc and Ambry Genetics); PubMed 35743707 (cited by Genomenon, Inc and Ambry Genetics); PubMed 36140787 (cited by Genomenon, Inc); PubMed 39362930 (cited by Genomenon, Inc); PubMed 38395389 (cited by Genomenon, Inc); PubMed 28069318 (cited by Genomenon, Inc); PubMed 29755794 (cited by Genomenon, Inc); PubMed 32023956 (cited by Genomenon, Inc); PubMed 23465405 (cited by 4 submitters); PubMed 32432376 (cited by Genomenon, Inc); PubMed 23332617 (cited by Ambry Genetics); PubMed 30386727 (cited by Ambry Genetics); PubMed 34266644 (cited by Ambry Genetics and Labcorp Genetics (formerly Invitae), Labcorp); PubMed 38002959 (cited by Ambry Genetics); PubMed 23935525 (cited by Labcorp Genetics (formerly Invitae), Labcorp).

NM_000169.3(GLA):c.758T>C (p.Ile253Thr)

Genes: GLA (galactosidase alpha; minus strand), RPL36A-HNRNPH2 (RPL36A-HNRNPH2 readthrough; plus strand). Cytogenetic location: Xq22.1.
Variant type: single nucleotide variant.
Coding change: c.758T>C on transcript NM_000169.3 (MANE Select); coding-DNA position 758, T replaced by C.
Protein change: p.Ile253Thr; replaces isoleucine 253 with threonine.
Molecular consequence: missense variant. On other transcripts: non-coding transcript variant (3), intron variant (2).
Genome position (GRCh38, 1-based): chrX:101,398,828, A>G on the plus strand (T>C on the coding strand, the complement: GLA is on the minus strand). VCF-style: chrX-101398828-A-G. GRCh37 (hg19) VCF-style: chrX-100653816-A-G.
Other names: c.881T>C, p.Ile294Thr (NM_001406747.1); c.758T>C, p.Ile253Thr (NM_001406748.1); c.300+3371A>G (NM_001199973.2); c.177+7006A>G (NM_001199974.2); short protein forms I253T, I294T.
Identifiers: ClinVar variation 180021 (VCV000180021.23), dbSNP rs727505292, ClinGen allele CA022050.